The following is an entry in ClinVar:

ClinVar aggregate classification (germline): Likely pathogenic (1 of 4 stars; one submission).

Conditions:
RAB23-related Carpenter syndrome. Also called: Carpenter syndrome 1; ACPS II. Identifiers: Orphanet 65759, MedGen C4551510, MONDO:0008710, OMIM 201000.

Submission:

Natera, Inc.
Classification: Likely pathogenic for Carpenter syndrome 1. Last evaluated: 2025-12-23. Review status: criteria provided, single submitter. Criteria: Natera Variant Classification Schema (03/2026). Collection method: clinical testing. Allele origin: germline.
Comment: The c.606del variant in RAB23 is a frameshift variant predicted to elongate the protein beyond the termination codon. This variant is expected to result in nonsense mediated decay, truncation, or a dysfunctional protein product. This variant is rare in the general population with a frequency below the threshold expected for the associated phenotype(s). Given the available evidence, this variant is classified as Likely Pathogenic.

NM_016277.5(RAB23):c.606del (p.Gly203fs)

Gene: RAB23 (RAB23, member RAS oncogene family; minus strand). Cytogenetic location: 6p12.1.
Variant type: Deletion.
Coding change: c.606del on transcript NM_016277.5 (MANE Select); coding-DNA position 606, one base deleted (C; older notation c.606delC).
Protein change: p.Gly203fs; shifts the reading frame from glycine 203.
Molecular consequence: frameshift variant. On other transcripts: non-coding transcript variant (1).
Genome position (GRCh38, 1-based): chr6:57,190,569, G deleted on the plus strand (C on the coding strand, the reverse complement: RAB23 is on the minus strand); the first of 2 consecutive G bases (chr6:57,190,569-57,190,570); deleting either gives the same sequence. VCF-style (leftmost placement, unchanged base first): chr6-57190568-CG-C. GRCh37 (hg19) VCF-style: chr6-57055366-CG-C.
Other names: c.606del, p.Gly203fs (NM_001278666.2, NM_001278667.2, NM_001278668.2 and 1 more transcripts); short protein forms G203fs.
Identifiers: ClinVar variation 4817037 (VCV004817037.1).